The following is an entry in ClinVar:

ClinVar aggregate classification (germline): Likely benign (1 of 4 stars; one submission).

Conditions:
PLXNA4-related disorder. Also called: PLXNA4-related condition.

Submission:

PreventionGenetics, part of Exact Sciences
Classification: Likely benign for PLXNA4-related condition. Last evaluated: 2025-12-29. Review status: criteria provided, single submitter. Criteria: ACMG Guidelines, 2015. Collection method: clinical testing. Allele origin: germline.
Comment: This variant is classified as likely benign based on ACMG/AMP sequence variant interpretation guidelines (Richards et al. 2015 PMID: 25741868, with internal and published modifications).

NM_020911.2(PLXNA4):c.3253-4A>C

Gene: PLXNA4 (plexin A4; minus strand). Cytogenetic location: 7q32.3.
Variant type: single nucleotide variant.
Coding change: c.3253-4A>C on transcript NM_020911.2 (MANE Select); 4 bases into the intron before coding-DNA position 3253, A replaced by C.
Molecular consequence: intron variant.
Genome position (GRCh38, 1-based): chr7:132,181,624, T>G on the plus strand (A>C on the coding strand, the complement: PLXNA4 is on the minus strand). VCF-style: chr7-132181624-T-G. GRCh37 (hg19) VCF-style: chr7-131866383-T-G.
Other names: c.3253-4A>C (NM_001393897.1).
Identifiers: ClinVar variation 4991383 (VCV004991383.1).